The following is an entry in ClinVar:

NM_000051.4(ATM):c.538C>G (p.Gln180Glu)

Gene: ATM (ATM serine/threonine kinase; plus strand). Cytogenetic location: 11q22.3.
Variant type: single nucleotide variant.
Coding change: c.538C>G on transcript NM_000051.4 (MANE Select); coding-DNA position 538, C replaced by G.
Protein change: p.Gln180Glu; replaces glutamine 180 with glutamic acid.
Molecular consequence: missense variant.
Genome position (GRCh38, 1-based): chr11:108,243,994, C>G. VCF-style: chr11-108243994-C-G. GRCh37 (hg19) VCF-style: chr11-108114721-C-G.
Other names: c.538C>G, p.Gln180Glu (NM_001351834.2); short protein forms Q180E.
Identifiers: ClinVar variation 4866220 (VCV004866220.1).
Genomic context (GRCh38, chr11:108,243,994, plus strand): 5'-ATTTTTTTTTTTTTTTAAGAATTGTTCTCTGTGTACTTCAGGCTCTATCTGAAACCTTCA[C>G]AAGATGTTCATAGAGTTTTAGTGGCTAGAATAATTCATGCTGTTACCAAAGGATGCTGTT-3'
Protein context (NP_000042.3, residues 170-190): VYFRLYLKPS[Gln180Glu]DVHRVLVARI

ClinVar aggregate classification (germline): Uncertain significance (1 of 4 stars; one submission).

Conditions:
Hereditary cancer-predisposing syndrome. Also called: Neoplastic Syndromes, Hereditary; Tumor predisposition; Hereditary Cancer Syndrome; Hereditary neoplastic syndrome. Identifiers: Orphanet 140162, MedGen C0027672, MeSH D009386, MONDO:0015356.

Submission:

Ambry Genetics
Classification: Uncertain significance for Hereditary cancer-predisposing syndrome. Last evaluated: 2026-04-11. Review status: criteria provided, single submitter. Criteria: Ambry Variant Classification Scheme 2023. Collection method: clinical testing. Allele origin: germline.
Comment: The p.Q180E variant (also known as c.538C>G), located in coding exon 5 of the ATM gene, results from a C to G substitution at nucleotide position 538. The glutamine at codon 180 is replaced by glutamic acid, an amino acid with highly similar properties. This amino acid position is conserved. In addition, this alteration is predicted to be tolerated by in silico analysis. Based on the available evidence, the clinical significance of this variant remains unclear.